The following is an entry in ClinVar:

NM_000419.5(ITGA2B):c.2015del (p.Gly672fs)

Gene: ITGA2B (integrin subunit alpha 2b; minus strand). Cytogenetic location: 17q21.31.
Variant type: Deletion.
Coding change: c.2015del on transcript NM_000419.5 (MANE Select); coding-DNA position 2015, one base deleted (G; older notation c.2015delG).
Protein change: p.Gly672fs; shifts the reading frame from glycine 672.
Molecular consequence: frameshift variant.
Genome position (GRCh38, 1-based): chr17:44,378,441, C deleted on the plus strand (G on the coding strand, the reverse complement: ITGA2B is on the minus strand); the first of 3 consecutive C bases (chr17:44,378,441-44,378,443); deleting any one gives the same sequence. VCF-style (leftmost placement, unchanged base first): chr17-44378440-GC-G. GRCh37 (hg19) VCF-style: chr17-42455808-GC-G.
Other names: short protein forms G672fs.
Identifiers: ClinVar variation 1210190 (VCV001210190.1), dbSNP rs2143451028, ClinGen allele CA915940724.
Genomic context (GRCh38, chr17:44,378,440, plus strand): 5'-CCGCATGTAGTGGGCGCCCTGGGGCAGGTGCACGGCCAGCTCTGCTTCATAGGCCCCCTC[GC>G]CCTCGTTGGCTGCGTCCATCTGCAGCTCCAGGACATTATCTGCCCCAACTAGGAGCGGGG-3'

ClinVar aggregate classification (germline): Pathogenic (3 of 4 stars; one submission).

Conditions:
Glanzmann thrombasthenia. Also called: BLEEDING DISORDER, PLATELET-TYPE, 2; THROMBASTHENIA OF GLANZMANN AND NAEGELI; PLATELET GLYCOPROTEIN IIb-IIIa DEFICIENCY; Thrombasthenia; Glanzmann's thrombasthenia. Identifiers: Orphanet 849, MedGen C0040015, MONDO:0100326.

Submission:

ClinGen Platelet Disorders Variant Curation Expert Panel, ClinGen
Classification: Pathogenic for Glanzmann thrombasthenia. Last evaluated: 2021-07-08. Review status: reviewed by expert panel. Criteria: ClinGen Platelet ACMG Specifications v2. Collection method: curation. Allele origin: germline. Inheritance: Autosomal recessive inheritance.
Comment: The ITGA2B frameshift variant NM_000419.5:c.2015del is expected to introduce a premature termination codon 23 amino acids downstream (p.Gly672AlafsTer23) in exon 20/30 and the resulting mRNA product is predicted to be susceptible to nonsense mediated decay, leading to loss of normal protein function. This variant has been observed in homozygosity in one individual with a phenotype specific for Glanzmann's thrombasthenia (GT) (GT12, PMID: 16463284). Furthermore, this variant is absent from population databases. In summary, this variant meets criteria to be classified as pathogenic for GT. GT-specific criteria applied: PVS1, PP4_moderate, PM2_supporting, and PM3_supporting.